The following is an entry in ClinVar:

ClinVar aggregate classification (germline): Benign/Likely benign. Review status: criteria provided, multiple submitters, no conflicts (2 of 4 stars). 4 submissions from 4 submitters: Benign (2); Likely benign (1). 1 of the submissions does not count toward it. Last evaluated 2026-09-01.

Conditions:
CACNA1I-related disorder. Also called: CACNA1I-related condition.

Allele frequency attached by ClinVar (database versions not stated): 1000 Genomes Project 0.00200; 1000 Genomes Project 30x 0.00219; TOPMed 0.00416; gnomAD 0.00430 and 0.00433; gnomAD exomes 0.00447 and 0.00560; ExAC 0.00503; ESP Exome Variant Server 0.00549.
gnomAD v4.1: 8,778 of 1,613,882 alleles (0.54%); highest among the groups gnomAD compares: Non-Finnish European, 0.66%; 32 homozygotes.

Submissions (4):

CeGaT Center for Human Genetics Tuebingen
Classification: Likely benign. Last evaluated: 2026-09-01. Review status: criteria provided, single submitter. Criteria: CeGaT Center For Human Genetics Tuebingen Variant Classification Criteria Version 2. Collection method: clinical testing. Allele origin: germline. Affected: yes. Observed: 5 variant alleles.
Comment: CACNA1I: BP4, BP7, BS2

Labcorp Genetics (formerly Invitae), Labcorp
Classification: Benign. Last evaluated: 2018-06-06. Review status: criteria provided, single submitter. Criteria: Invitae Variant Classification Sherloc (09022015). Collection method: clinical testing. Allele origin: germline.

Breakthrough Genomics
Classification: Benign. Review status: criteria provided, single submitter. Criteria: ACMG Guidelines, 2015. Collection method: not provided. Allele origin: germline. Inheritance: Autosomal dominant inheritance. Affected: yes.

PreventionGenetics, part of Exact Sciences
Classification: Benign for CACNA1I-related condition. Last evaluated: 2019-04-30. Review status: no assertion criteria provided. Collection method: clinical testing. Allele origin: germline. Not counted in ClinVar's aggregate classification.
Comment: This variant is classified as benign based on ACMG/AMP sequence variant interpretation guidelines (Richards et al. 2015 PMID: 25741868, with internal and published modifications).

NM_021096.4(CACNA1I):c.4269C>T (p.Leu1423=)

Gene: CACNA1I (calcium voltage-gated channel subunit alpha1 I; plus strand). Cytogenetic location: 22q13.1.
Variant type: single nucleotide variant.
Coding change: c.4269C>T on transcript NM_021096.4 (MANE Select); coding-DNA position 4269, C replaced by T.
Protein change: p.Leu1423=; no amino-acid change (leucine 1423 retained).
Molecular consequence: synonymous variant.
Genome position (GRCh38, 1-based): chr22:39,670,112, C>T. VCF-style: chr22-39670112-C-T. GRCh37 (hg19) VCF-style: chr22-40066117-C-T.
Other names: c.4164C>T, p.Leu1388= (NM_001003406.2).
Identifiers: ClinVar variation 710286 (VCV000710286.29), dbSNP rs55968092, ClinGen allele CA10244648.
Genomic context (GRCh38, chr22:39,670,112, plus strand): 5'-CAACCCCTGGATGCTGCTGTACTTCATCTCCTTCCTGCTCATCGTCAGCTTCTTTGTGCT[C>T]AACATGTTTGTGGGTGTCGTGGTGGAGAACTTCCACAAGTGCCGGCAGCACCAGGAGGCT-3'
Protein context (NP_066919.2, residues 1413-1433): SFLLIVSFFV[Leu1423=]NMFVGVVVEN